The following is an entry in ClinVar:

NM_001089.3(ABCA3):c.4327G>A (p.Gly1443Arg)

Gene: ABCA3 (ATP binding cassette subfamily A member 3; minus strand). Cytogenetic location: 16p13.3.
Variant type: single nucleotide variant.
Coding change: c.4327G>A on transcript NM_001089.3 (MANE Select); coding-DNA position 4327, G replaced by A.
Protein change: p.Gly1443Arg; replaces glycine 1443 with arginine.
Molecular consequence: missense variant.
Genome position (GRCh38, 1-based): chr16:2,281,059, C>T on the plus strand (G>A on the coding strand, the complement: ABCA3 is on the minus strand). VCF-style: chr16-2281059-C-T. GRCh37 (hg19) VCF-style: chr16-2331060-C-T.
Other names: short protein forms G1443R.
Identifiers: ClinVar variation 1739735 (VCV001739735.5), dbSNP rs764001106, ClinGen allele CA7840167.
Genomic context (GRCh38, chr16:2,281,059, plus strand): 5'-CCTTCAGAGCCTCCCTGGCTGCACCCACCTTTCCGACATCAGAGCTGATTCTGTGACCCC[C>T]GACAAAGGCATCCCCAGAAGTGAGGCTCTCCTCCCCGGTCAGCATTTTGAAAGTCGTGGT-3'
Protein context (NP_001080.2, residues 1433-1453): ESLTSGDAFV[Gly1443Arg]GHRISSDVGK

ClinVar aggregate classification (germline): Uncertain significance. Review status: criteria provided, multiple submitters, no conflicts (2 of 4 stars). 3 submissions from 3 submitters: Uncertain significance (3). Last evaluated 2025-08-12.

Conditions:
Hereditary pulmonary alveolar proteinosis. Also called: Pulmonary surfactant metabolism dysfunction. Identifiers: Orphanet 264675, MedGen C3711368, MONDO:0012580.

Allele frequency attached by ClinVar (database versions not stated): gnomAD exomes 0.00004; ExAC 0.00006; gnomAD 0.00002; TOPMed 0.00003.
gnomAD v4.1: 61 of 1,613,816 alleles (0.0038%); highest among the groups gnomAD compares: Admixed American, 0.028%; no homozygotes.

Submissions (3):

Ambry Genetics
Classification: Uncertain significance for Hereditary pulmonary alveolar proteinosis. Last evaluated: 2025-08-12. Review status: criteria provided, single submitter. Criteria: Ambry Variant Classification Scheme 2023. Collection method: clinical testing. Allele origin: germline.
Comment: The p.G1443R variant (also known as c.4327G>A), located in coding exon 25 of the ABCA3 gene, results from a G to A substitution at nucleotide position 4327. The glycine at codon 1443 is replaced by arginine, an amino acid with dissimilar properties. This amino acid position is not well conserved in available vertebrate species. In addition, the in silico prediction for this alteration is inconclusive. Since supporting evidence is limited at this time, the clinical significance of this alteration remains unclear.

Labcorp Genetics (formerly Invitae), Labcorp
Classification: Uncertain significance. Last evaluated: 2024-12-12. Review status: criteria provided, single submitter. Criteria: Invitae Variant Classification Sherloc (09022015). Collection method: clinical testing. Allele origin: germline.
Comment: This sequence change replaces glycine, which is neutral and non-polar, with arginine, which is basic and polar, at codon 1443 of the ABCA3 protein (p.Gly1443Arg). This variant is present in population databases (rs764001106, gnomAD 0.04%). This variant has not been reported in the literature in individuals affected with ABCA3-related conditions. ClinVar contains an entry for this variant (Variation ID: 1739735). Invitae Evidence Modeling of protein sequence and biophysical properties (such as structural, functional, and spatial information, amino acid conservation, physicochemical variation, residue mobility, and thermodynamic stability) indicates that this missense variant is not expected to disrupt ABCA3 protein function with a negative predictive value of 80%. In summary, the available evidence is currently insufficient to determine the role of this variant in disease. Therefore, it has been classified as a Variant of Uncertain Significance.

GeneDx
Classification: Uncertain significance. Last evaluated: 2024-03-23. Review status: criteria provided, single submitter. Criteria: GeneDx Variant Classification Process June 2021. Collection method: clinical testing. Allele origin: germline. Affected: yes.
Comment: In silico analysis supports that this missense variant does not alter protein structure/function; Has been observed as a de novo variant in a patient with an AV canal defect and pulmonary hypertension; however this individual also habored a variant in another gene (PMID: 30029678); This variant is associated with the following publications: (PMID: 30029678)